The following is an entry in ClinVar:

NM_182961.4(SYNE1):c.5877A>G (p.Val1959=)

Gene: SYNE1 (spectrin repeat containing nuclear envelope protein 1; minus strand). Cytogenetic location: 6q25.2.
Variant type: single nucleotide variant.
Coding change: c.5877A>G on transcript NM_182961.4 (MANE Select); coding-DNA position 5877, A replaced by G.
Protein change: p.Val1959=; no amino-acid change (valine 1959 retained).
Molecular consequence: synonymous variant.
Genome position (GRCh38, 1-based): chr6:152,416,560, T>C on the plus strand (A>G on the coding strand, the complement: SYNE1 is on the minus strand). VCF-style: chr6-152416560-T-C. GRCh37 (hg19) VCF-style: chr6-152737695-T-C.
Other names: c.5898A>G, p.Val1966= (NM_033071.5).
Identifiers: ClinVar variation 387094 (VCV000387094.5), dbSNP rs1057522688, ClinGen allele CA16604999.
Genomic context (GRCh38, chr6:152,416,560, plus strand): 5'-CAACACTGCCAGAGCATCTGCCTCACTCTGCTTGGTTCCCAGAAGGTTCTGGATCCTCTC[T>C]ACCTCTCCACAGAGCTGATCAGCCGTGGCTCTGCAGGAAGTCCTTTGCTCAGAGCTCCCG-3'
Protein context (NP_892006.3, residues 1949-1969): RATADQLCGE[Val1959=]ERIQNLLGTK

ClinVar aggregate classification (germline): Conflicting classifications of pathogenicity. Review status: criteria provided, conflicting classifications (1 of 4 stars). 2 submissions from 2 submitters: Uncertain significance (1); Likely benign (1). Last evaluated 2017-04-14.

Submissions (2):

Eurofins Ntd Llc (ga)
Classification: Uncertain significance. Last evaluated: 2017-04-14. Review status: criteria provided, single submitter. Criteria: EGL Classification Definitions 2015. Collection method: clinical testing. Allele origin: germline. Observed: 1 variant allele, 1 heterozygote.

GeneDx
Classification: Likely benign. Last evaluated: 2016-07-07. Review status: criteria provided, single submitter. Criteria: GeneDx Variant Classification (06012015). Collection method: clinical testing. Allele origin: germline. Affected: yes.
Comment: This variant is considered likely benign or benign based on one or more of the following criteria: it is a conservative change, it occurs at a poorly conserved position in the protein, it is predicted to be benign by multiple in silico algorithms, and/or has population frequency not consistent with disease.